The following is an entry in ClinVar:

NM_001378183.1(PIEZO2):c.5650del (p.Val1884fs)

Gene: PIEZO2 (piezo type mechanosensitive ion channel component 2; minus strand). Cytogenetic location: 18p11.22.
Variant type: Deletion.
Coding change: c.5650del on transcript NM_001378183.1 (MANE Select); coding-DNA position 5650, one base deleted (G; older notation c.5650delG).
Protein change: p.Val1884fs; shifts the reading frame from valine 1884.
Molecular consequence: frameshift variant.
Genome position (GRCh38, 1-based): chr18:10,705,685, C deleted on the plus strand (G on the coding strand, the reverse complement: PIEZO2 is on the minus strand); the first of 2 consecutive C bases (chr18:10,705,685-10,705,686); deleting either gives the same sequence. VCF-style (leftmost placement, unchanged base first): chr18-10705684-AC-A. GRCh37 (hg19) VCF-style: chr18-10705682-AC-A.
Other names: c.5386del, p.Val1796fs (NM_001410871.1); c.5311del, p.Val1771fs (NM_022068.4); short protein forms V1771fs, V1796fs, V1884fs.
Identifiers: ClinVar variation 4880643 (VCV004880643.2).

ClinVar aggregate classification (germline): Likely pathogenic (1 of 4 stars; one submission).

Conditions:
Marden-Walker syndrome (MWKS). Also called: Connective tissue disorder Marden Walker type. Identifiers: Orphanet 2461, MedGen C0796033, MONDO:0009564, OMIM 248700.

Submission:

Dasa
Classification: Likely pathogenic for Marden-Walker syndrome. Last evaluated: 2026-03-14. Review status: criteria provided, single submitter. Criteria: DASA Assertion Criteria. Collection method: clinical testing. Allele origin: germline.
Comment: NM_001378183.1(PIEZO2):c.5650del (p.Val1884Trpfs*45) is a frameshift variant in PIEZO2 predicted to alter the reading frame and introduce a premature termination codon and is predicted to result in an absent or altered protein product. Loss of function is an established disease mechanism for PIEZO2-associated disorders. Also, this variant is rare in population databases. Based on the currently available evidence, this variant is classified as likely pathogenic.